The following is an entry in ClinVar:

NM_001267550.2(TTN):c.101376T>G (p.Tyr33792Ter)

Genes: TTN (titin; minus strand), TTN-AS1 (TTN antisense RNA 1; plus strand). Cytogenetic location: 2q31.2.
Variant type: single nucleotide variant.
Coding change: c.101376T>G on transcript NM_001267550.2 (MANE Select); coding-DNA position 101376, T replaced by G.
Protein change: p.Tyr33792Ter; replaces tyrosine 33792 with a stop codon.
Molecular consequence: nonsense.
Genome position (GRCh38, 1-based): chr2:178,535,239, A>C on the plus strand (T>G on the coding strand, the complement: TTN is on the minus strand). VCF-style: chr2-178535239-A-C. GRCh37 (hg19) VCF-style: chr2-179399966-A-C.
Other names: c.96453T>G, p.Tyr32151Ter (NM_001256850.1); c.74181T>G, p.Tyr24727Ter (NM_003319.4); c.93672T>G, p.Tyr31224Ter (NM_133378.4); c.74556T>G, p.Tyr24852Ter (NM_133432.3); c.74757T>G, p.Tyr24919Ter (NM_133437.4); short protein forms Y24727*, Y24852*, Y24919*, Y31224*, Y32151*, Y33792*.
Identifiers: ClinVar variation 3236597 (VCV003236597.2), dbSNP rs367732133, ClinGen allele CA349420849.

ClinVar aggregate classification (germline): Likely pathogenic (1 of 4 stars; one submission).

Conditions:
Dilated cardiomyopathy 1G (CMD1G). Identifiers: Orphanet 154, MedGen C1858763, MONDO:0011400, OMIM 604145.

Submission:

Clinical Genomics Laboratory, Washington University in St. Louis
Classification: Likely pathogenic for Dilated cardiomyopathy 1G. Last evaluated: 2024-05-07. Review status: criteria provided, single submitter. Criteria: ACMG Guidelines, 2015. Collection method: clinical testing. Allele origin: germline.
Comment: The TTN c.101376T>G (p.Tyr33792*) variant, to our knowledge, has not been reported in the medical literature and is absent from the general population (gnomAD v.2.1.1), indicating it is not a common variant. This exon is located in the M-band region of the N2-B isoform of the titin protein and is constitutively expressed in TTN transcripts. This variant causes a premature termination codon, which is predicted to lead to nonsense mediated decay. Truncating variants in the A-band of titin are the most common cause of DCM, but regardless of their position, truncating variants encoded in constitutive exons have been found to be significantly associated with DCM (Herman DS et al., PMID: 22335739; Roberts AM et al., PMID: 25589632; Schafer S et al., PMID: 27869827). Additionally, truncating variants in this region have been detected in affected individuals and are considered pathogenic (Akhtar MM et al., PMID: 32964742; Schafer S et al., PMID: 27869827). Based on available information and the ACMG/AMP guidelines for variant interpretation (Richards S et al., PMID: 25741868), this variant is classified as likely pathogenic.